The following is an entry in ClinVar:

ClinVar aggregate classification (germline): Benign/Likely benign. Review status: criteria provided, multiple submitters, no conflicts (2 of 4 stars). 3 submissions from 3 submitters: Benign (1); Likely benign (1). 1 of the submissions does not count toward it. Last evaluated 2025-12-22.

Conditions:
ASXL1-related disorder. Also called: ASXL1-related condition; ASXL1-related disorders.

Allele frequency attached by ClinVar (database versions not stated): ExAC 0.00009; gnomAD exomes 0.00011; TOPMed 0.00014; gnomAD 0.00015 and 0.00016; 1000 Genomes Project 30x 0.00016; 1000 Genomes Project 0.00020.
gnomAD v4.1: 407 of 1,614,174 alleles (0.025%); highest among the groups gnomAD compares: Non-Finnish European, 0.033%; no homozygotes.

Submissions (3):

Labcorp Genetics (formerly Invitae), Labcorp
Classification: Benign. Last evaluated: 2025-12-22. Review status: criteria provided, single submitter. Criteria: Invitae Variant Classification Sherloc (09022015). Collection method: clinical testing. Allele origin: germline.

CeGaT Center for Human Genetics Tuebingen
Classification: Likely benign. Last evaluated: 2024-06-01. Review status: criteria provided, single submitter. Criteria: CeGaT Center For Human Genetics Tuebingen Variant Classification Criteria Version 2. Collection method: clinical testing. Allele origin: germline. Affected: yes. Observed: 1 variant allele.
Comment: ASXL1: BP4

PreventionGenetics, part of Exact Sciences
Classification: Uncertain significance for ASXL1-related condition. Last evaluated: 2024-07-18. Review status: no assertion criteria provided. Collection method: clinical testing. Allele origin: germline. Not counted in ClinVar's aggregate classification.
Comment: The ASXL1 c.3379G>A variant is predicted to result in the amino acid substitution p.Asp1127Asn. To our knowledge, this variant has not been reported in the literature. This variant is reported in 0.020% of alleles in individuals of European (Non-Finnish) descent in gnomAD. At this time, the clinical significance of this variant is uncertain due to the absence of conclusive functional and genetic evidence.

NM_015338.6(ASXL1):c.3379G>A (p.Asp1127Asn)

Gene: ASXL1 (ASXL transcriptional regulator 1; plus strand). Cytogenetic location: 20q11.21.
Variant type: single nucleotide variant.
Coding change: c.3379G>A on transcript NM_015338.6 (MANE Select); coding-DNA position 3379, G replaced by A.
Protein change: p.Asp1127Asn; replaces aspartic acid 1127 with asparagine.
Molecular consequence: missense variant.
Genome position (GRCh38, 1-based): chr20:32,436,091, G>A. VCF-style: chr20-32436091-G-A. GRCh37 (hg19) VCF-style: chr20-31023894-G-A.
Other names: c.3196G>A, p.Asp1066Asn (NM_001363734.1); c.3379G>A (NM_015338.5); short protein forms D1066N, D1127N.
Identifiers: ClinVar variation 1370667 (VCV001370667.26), dbSNP rs201009558, ClinGen allele CA9808806.